The following is an entry in ClinVar:

ClinVar aggregate classification (germline): Uncertain significance (1 of 4 stars; one submission).

Submission:

Greenwood Genetic Center Diagnostic Laboratories, Greenwood Genetic Center
Classification: Uncertain significance. Last evaluated: 2023-04-19. Review status: criteria provided, single submitter. Criteria: ACMG Guidelines, 2015. Collection method: clinical testing. Allele origin: germline. Affected: yes.
Comment: Gene of Uncertain Significance

NM_032776.3(JMJD1C):c.7576G>C (p.Ala2526Pro)

Gene: JMJD1C (jumonji domain containing 1C; minus strand). Cytogenetic location: 10q21.3.
Variant type: single nucleotide variant.
Coding change: c.7576G>C on transcript NM_032776.3 (MANE Select); coding-DNA position 7576, G replaced by C.
Protein change: p.Ala2526Pro; replaces alanine 2526 with proline.
Molecular consequence: missense variant. On other transcripts: non-coding transcript variant (1).
Genome position (GRCh38, 1-based): chr10:63,168,092, C>G on the plus strand (G>C on the coding strand, the complement: JMJD1C is on the minus strand). VCF-style: chr10-63168092-C-G. GRCh37 (hg19) VCF-style: chr10-64927852-C-G.
Other names: c.7030G>C, p.Ala2344Pro (NM_001282948.2, NM_001318154.2); c.6712G>C, p.Ala2238Pro (NM_001318153.2); c.7462G>C, p.Ala2488Pro (NM_001322252.2); c.6919G>C, p.Ala2307Pro (NM_001322254.2, NM_001322258.2); short protein forms A2238P, A2307P, A2344P, A2488P, A2526P.
Identifiers: ClinVar variation 2572345 (VCV002572345.1), dbSNP rs755131031, ClinGen allele CA377017701.
Genomic context (GRCh38, chr10:63,168,092, plus strand): 5'-AACTGGATCACACTTAATTTTCTTCCATATCCTCTACTTCATCCTCGTGTATCTTCAAGG[C>G]TCTCACCATTTCTTTGACTGCATGATACAAAATATTTTTAACCTGAAAGAGATGTTGATA-3'
Protein context (NP_116165.1, residues 2516-2536): LYHAVKEMVR[Ala2526Pro]LKIHEDEVED